The following is an entry in ClinVar:

ClinVar aggregate classification (germline): Uncertain significance. Review status: criteria provided, multiple submitters, no conflicts (2 of 4 stars). 3 submissions from 3 submitters: Uncertain significance (3). Last evaluated 2024-04-23.

Conditions:
Cone-rod dystrophy 20 (CORD20). Identifiers: Orphanet 1872, MedGen C4014856, MONDO:0014427, OMIM 615973.

Allele frequency attached by ClinVar (database versions not stated): gnomAD 0.00001; gnomAD exomes 0.00003 and 0.00004; TOPMed 0.00003; ExAC 0.00007; ESP Exome Variant Server 0.00008.
gnomAD v4.1: 37 of 1,610,952 alleles (0.0023%); highest among the groups gnomAD compares: Middle Eastern, 0.016%; no homozygotes.

Submissions (3):

Fulgent Genetics
Classification: Uncertain significance for Cone-rod dystrophy 20. Last evaluated: 2024-04-23. Review status: criteria provided, single submitter. Criteria: ACMG Guidelines, 2015. Collection method: clinical testing. Allele origin: germline.

Blueprint Genetics
Classification: Uncertain significance. Last evaluated: 2023-01-23. Review status: criteria provided, single submitter. Criteria: ACMG Guidelines, 2015. Collection method: clinical testing. Allele origin: germline.

Labcorp Genetics (formerly Invitae), Labcorp
Classification: Uncertain significance. Last evaluated: 2022-08-09. Review status: criteria provided, single submitter. Criteria: Invitae Variant Classification Sherloc (09022015). Collection method: clinical testing. Allele origin: germline.
Comment: This sequence change replaces asparagine, which is neutral and polar, with lysine, which is basic and polar, at codon 218 of the POC1B protein (p.Asn218Lys). This variant is present in population databases (rs368667227, gnomAD 0.01%). This variant has not been reported in the literature in individuals affected with POC1B-related conditions. ClinVar contains an entry for this variant (Variation ID: 1051228). Advanced modeling of protein sequence and biophysical properties (such as structural, functional, and spatial information, amino acid conservation, physicochemical variation, residue mobility, and thermodynamic stability) performed at Invitae indicates that this missense variant is not expected to disrupt POC1B protein function. In summary, the available evidence is currently insufficient to determine the role of this variant in disease. Therefore, it has been classified as a Variant of Uncertain Significance.

NM_172240.3(POC1B):c.654C>G (p.Asn218Lys)

Genes: POC1B (POC1 centriolar protein B; minus strand), POC1B-DUSP6 (POC1B-DUSP6 readthrough; minus strand). Cytogenetic location: 12q21.33.
Variant type: single nucleotide variant.
Coding change: c.654C>G on transcript NM_172240.3 (MANE Select); coding-DNA position 654, C replaced by G.
Protein change: p.Asn218Lys; replaces asparagine 218 with lysine.
Molecular consequence: missense variant. On other transcripts: non-coding transcript variant (2).
Genome position (GRCh38, 1-based): chr12:89,471,636, G>C on the plus strand (C>G on the coding strand, the complement: POC1B is on the minus strand). VCF-style: chr12-89471636-G-C. GRCh37 (hg19) VCF-style: chr12-89865413-G-C.
Other names: c.528C>G, p.Asn176Lys (NM_001199777.2); short protein forms N176K, N218K.
Identifiers: ClinVar variation 1051228 (VCV001051228.7), dbSNP rs368667227, ClinGen allele CA6714444.